The following is an entry in ClinVar:

ClinVar aggregate classification (germline): Uncertain significance (1 of 4 stars; one submission).

Allele frequency attached by ClinVar (database versions not stated): gnomAD exomes below 0.00001.
gnomAD v4.1: 1 of 1,614,082 alleles (0.000062%); highest among the groups gnomAD compares: Non-Finnish European, 0.000085%; no homozygotes.

Submission:

Ambry Genetics
Classification: Uncertain significance. Last evaluated: 2023-12-21. Review status: criteria provided, single submitter. Criteria: Ambry Variant Classification Scheme 2023. Collection method: clinical testing. Allele origin: germline.
Comment: The p.A1848T variant (also known as c.5542G>A), located in coding exon 6 of the ALPK2 gene, results from a G to A substitution at nucleotide position 5542. The alanine at codon 1848 is replaced by threonine, an amino acid with similar properties. This amino acid position is conserved. In addition, the in silico prediction for this alteration is inconclusive. Since supporting evidence is limited at this time, the clinical significance of this alteration remains unclear.

NM_052947.4(ALPK2):c.5542G>A (p.Ala1848Thr)

Gene: ALPK2 (alpha kinase 2; minus strand). Cytogenetic location: 18q21.31.
Variant type: single nucleotide variant.
Coding change: c.5542G>A on transcript NM_052947.4 (MANE Select); coding-DNA position 5542, G replaced by A.
Protein change: p.Ala1848Thr; replaces alanine 1848 with threonine.
Molecular consequence: missense variant.
Genome position (GRCh38, 1-based): chr18:58,524,022, C>T on the plus strand (G>A on the coding strand, the complement: ALPK2 is on the minus strand). VCF-style: chr18-58524022-C-T. GRCh37 (hg19) VCF-style: chr18-56191254-C-T.
Other names: short protein forms A1848T.
Identifiers: ClinVar variation 3228801 (VCV003228801.1), dbSNP rs2518866912, ClinGen allele CA402551701.